The following is an entry in ClinVar:

NM_025191.4(EDEM3):c.2267A>G (p.Asp756Gly)

Gene: EDEM3 (ER degradation enhancing alpha-mannosidase like protein 3; minus strand). Cytogenetic location: 1q25.3.
Variant type: single nucleotide variant.
Coding change: c.2267A>G on transcript NM_025191.4 (MANE Select); coding-DNA position 2267, A replaced by G.
Protein change: p.Asp756Gly; replaces aspartic acid 756 with glycine.
Molecular consequence: missense variant. On other transcripts: non-coding transcript variant (1).
Genome position (GRCh38, 1-based): chr1:184,702,933, T>C on the plus strand (A>G on the coding strand, the complement: EDEM3 is on the minus strand). VCF-style: chr1-184702933-T-C. GRCh37 (hg19) VCF-style: chr1-184672067-T-C.
Other names: c.2267A>G, p.Asp756Gly (NM_001319960.2); short protein forms D756G.
Identifiers: ClinVar variation 5008218 (VCV005008218.1).
Genomic context (GRCh38, chr1:184,702,933, plus strand): 5'-AGTATGATACTTCCTTCTTTGCTGAATAAGAACAGCATGGGGATCTTGATGTCATCTGTA[T>C]CCTTTCCATCACCTGCCATCTGGAACAGAGGGGCAGTATCACTGCTGCTCCCCTCATTGT-3'
Protein context (NP_079467.3, residues 746-766): PLFQMAGDGK[Asp756Gly]TDDIKIPMLF

ClinVar aggregate classification (germline): Uncertain significance (1 of 4 stars; one submission).

gnomAD v4.1: 5 of 1,613,456 alleles (0.00031%); highest among the groups gnomAD compares: African/African-American, 0.0067%; no homozygotes.

Submission:

GeneDx
Classification: Uncertain significance. Last evaluated: 2026-03-03. Review status: criteria provided, single submitter. Criteria: GeneDx Variant Classification Process June 2021. Collection method: clinical testing. Allele origin: germline.
Comment: Not observed at significant frequency in large population cohorts (gnomAD); In silico analysis suggests that this missense variant does not alter protein structure/function; Has not been previously published as pathogenic or benign to our knowledge